The following is an entry in ClinVar:

NM_001609.4(ACADSB):c.257_260del (p.Asn86fs)

Gene: ACADSB (acyl-CoA dehydrogenase short/branched chain; plus strand). Cytogenetic location: 10q26.13.
Variant type: Deletion.
Coding change: c.257_260del on transcript NM_001609.4 (MANE Select); coding-DNA positions 257 to 260, 4 bases deleted (ATTC; older notation c.257_260delATTC).
Protein change: p.Asn86fs; shifts the reading frame from asparagine 86.
Molecular consequence: frameshift variant. On other transcripts: intron variant (1).
Genome position (GRCh38, 1-based): chr10:123,037,801-123,037,804, ATTC deleted. VCF-style (leftmost placement, unchanged base first): chr10-123037800-AATTC-A. GRCh37 (hg19) VCF-style: chr10-124797316-AATTC-A.
Other names: c.-3-2665_-3-2662del (NM_001330174.3); short protein forms N86fs.
Identifiers: ClinVar variation 5019334 (VCV005019334.2).

ClinVar aggregate classification (germline): Likely pathogenic (1 of 4 stars; one submission).

Conditions:
Deficiency of 2-methylbutyryl-CoA dehydrogenase (ACADSB). Also called: 2-methylbutyrylglycinuria; 2-methylbutyryl-CoA dehydrogenase deficiency; SBCAD deficiency; 2-methylbutyric aciduria; Short branched-chain acyl-CoA dehydrogenase deficiency. Identifiers: Orphanet 79157, MedGen C1864912, MONDO:0012392, OMIM 610006, HP:0020147.

Submission:

Juno Genomics, Hangzhou Juno Genomics, Inc
Classification: Likely pathogenic for Deficiency of 2-methylbutyryl-CoA dehydrogenase. Review status: criteria provided, single submitter. Criteria: ACMG Guidelines, 2015. Collection method: clinical testing. Allele origin: germline.
Comment: Absent from controls (or at extremely low frequency if recessive) in Genome Aggregation Database.;Null variant in a gene where loss of function (LOF) is a known mechanism of disease.